The following is an entry in ClinVar:

ClinVar aggregate classification (germline): Pathogenic (1 of 4 stars; one submission).

Conditions:
Classic homocystinuria. Also called: Homocystinuria due to Cystathionine Beta-Synthase Deficiency; Homocystinuria due to CBS deficiency; Cystathionine beta-synthase deficiency; CBS deficiency; HOMOCYSTINURIA WITH OR WITHOUT RESPONSE TO PYRIDOXINE. Identifiers: Orphanet 394, MedGen C0751202, MONDO:0009352, OMIM 236200.

Submission:

Labcorp Genetics (formerly Invitae), Labcorp
Classification: Pathogenic for Homocystinuria due to CBS deficiency. Last evaluated: 2018-03-08. Review status: criteria provided, single submitter. Criteria: Invitae Variant Classification Sherloc (09022015). Collection method: clinical testing. Allele origin: germline.
Comment: This variant is a gross duplication of the genomic region encompassing part of intron 5, exon 6 and the first 93 nucleotides of exon 7 of the CBS gene (c.452-154_623dup). This results in the insertion of a premature translational stop signal and is expected to result in an absent or disrupted protein product. This variant has not been reported in the literature in individuals with CBS-related disease. Loss-of-function variants in CBS are known to be pathogenic (PMID: 10338090, 12124992). For these reasons, this variant has been classified as Pathogenic.

NM_000071.3(CBS):c.452-153_624dup

Gene: CBS (cystathionine beta-synthase; minus strand). Cytogenetic location: 21q22.3.
Variant type: Duplication.
Coding change: c.452-153_624dup on transcript NM_000071.3 (MANE Select); 153 bases into the intron before coding-DNA position 452 through coding-DNA position 624, 420 bases duplicated.
Molecular consequence: splice acceptor variant, splice donor variant.
Genome position (GRCh38, 1-based): chr21:43,065,429-43,065,848, 420 bases duplicated. GRCh37 (hg19): chr21:44,485,540-44,485,959.
Other names: c.452-153_624dup (NM_001320298.2, NM_001178009.3, NM_001178008.3); c.137-153_309dup (NM_001321072.1).
Identifiers: ClinVar variation 571387 (VCV000571387.1), dbSNP rs1568932440, ClinGen allele CA891843625.